The following is an entry in ClinVar:

ClinVar aggregate classification (germline): Uncertain significance (1 of 4 stars; one submission).

Conditions:
Nephronophthisis. Also called: Juvenile Nephronophthisis. Identifiers: Orphanet 655, MedGen C0687120, MONDO:0019005, HP:0000090.

Allele frequency attached by ClinVar (database versions not stated): ExAC 0.00001; gnomAD exomes 0.00001.
gnomAD v4.1: 8 of 1,613,476 alleles (0.0005%); highest among the groups gnomAD compares: Non-Finnish European, 0.00059%; no homozygotes.

Submission:

Labcorp Genetics (formerly Invitae), Labcorp
Classification: Uncertain significance for Nephronophthisis. Last evaluated: 2021-09-01. Review status: criteria provided, single submitter. Criteria: Invitae Variant Classification Sherloc (09022015). Collection method: clinical testing. Allele origin: germline.
Comment: This sequence change replaces methionine with valine at codon 796 of the NPHP4 protein (p.Met796Val). The methionine residue is moderately conserved and there is a small physicochemical difference between methionine and valine. This variant is present in population databases (rs762272616, ExAC 0.002%). This variant has not been reported in the literature in individuals affected with NPHP4-related conditions. Algorithms developed to predict the effect of missense changes on protein structure and function output the following: SIFT: "Tolerated"; PolyPhen-2: "Benign"; Align-GVGD: "Class C0". The valine amino acid residue is found in multiple mammalian species, which suggests that this missense change does not adversely affect protein function. In summary, the available evidence is currently insufficient to determine the role of this variant in disease. Therefore, it has been classified as a Variant of Uncertain Significance.

NM_015102.5(NPHP4):c.2386A>G (p.Met796Val)

Gene: NPHP4 (nephrocystin 4; minus strand). Cytogenetic location: 1p36.31.
Variant type: single nucleotide variant.
Coding change: c.2386A>G on transcript NM_015102.5 (MANE Select); coding-DNA position 2386, A replaced by G.
Protein change: p.Met796Val; replaces methionine 796 with valine.
Molecular consequence: missense variant. On other transcripts: non-coding transcript variant (1).
Genome position (GRCh38, 1-based): chr1:5,887,385, T>C on the plus strand (A>G on the coding strand, the complement: NPHP4 is on the minus strand). VCF-style: chr1-5887385-T-C. GRCh37 (hg19) VCF-style: chr1-5947445-T-C.
Other names: c.847A>G, p.Met283Val (NM_001291593.2); c.850A>G, p.Met284Val (NM_001291594.2); short protein forms M284V, M796V, M283V.
Identifiers: ClinVar variation 967241 (VCV000967241.7), dbSNP rs762272616, ClinGen allele CA554137.